The following is an entry in ClinVar:

NM_024426.6(WT1):c.18G>T (p.Leu6=)

Genes: WT1 (WT1 transcription factor; minus strand), LOC107982234 (WT1/WT1-AS bi-directional promoter region; plus strand). Cytogenetic location: 11p13.
Variant type: single nucleotide variant.
Coding change: c.18G>T on transcript NM_024426.6 (MANE Select); coding-DNA position 18, G replaced by T.
Protein change: p.Leu6=; no amino-acid change (leucine 6 retained).
Molecular consequence: synonymous variant. On other transcripts: 5 prime UTR variant (4), non-coding transcript variant (2).
Genome position (GRCh38, 1-based): chr11:32,435,343, C>A on the plus strand (G>T on the coding strand, the complement: WT1 is on the minus strand). VCF-style: chr11-32435343-C-A. GRCh37 (hg19) VCF-style: chr11-32456889-C-A.
Other names: c.18G>T, p.Leu6= (NM_000378.6, NM_001407044.1, NM_001407045.1 and 6 more transcripts); c.-202G>T (NM_001429031.1, NM_001429032.1, NM_001429033.1 and 1 more transcripts).
Identifiers: ClinVar variation 3982424 (VCV003982424.1).

ClinVar aggregate classification (germline): Uncertain significance (1 of 4 stars; one submission).

Conditions:
Inborn genetic diseases. Identifiers: MedGen C0950123, MeSH D030342.

gnomAD v4.1: 1 of 1,530,210 alleles (0.000065%); highest among the groups gnomAD compares: Non-Finnish European, 0.000087%; no homozygotes.

Submission:

Ambry Genetics
Classification: Uncertain significance for Inborn genetic diseases. Last evaluated: 2025-03-25. Review status: criteria provided, single submitter. Criteria: Ambry Variant Classification Scheme 2023. Collection method: clinical testing. Allele origin: germline.
Comment: The p.M1? variant (also known as c.3G>T) is located in coding exon 1 of the WT1 gene and results from a G to T substitution at nucleotide position 3. This alters the methionine residue at the initiation codon; however, there is an alternative initiation (or start) codon in other biologically relevant transcripts. Based on the available evidence, the clinical significance of this variant remains unclear.